The following is an entry in ClinVar:

NM_021228.3(SCAF1):c.813G>C (p.Glu271Asp)

Gene: SCAF1 (SR-related CTD associated factor 1; plus strand). Cytogenetic location: 19q13.33.
Variant type: single nucleotide variant.
Coding change: c.813G>C on transcript NM_021228.3 (MANE Select); coding-DNA position 813, G replaced by C.
Protein change: p.Glu271Asp; replaces glutamic acid 271 with aspartic acid.
Molecular consequence: missense variant.
Genome position (GRCh38, 1-based): chr19:49,651,202, G>C. VCF-style: chr19-49651202-G-C. GRCh37 (hg19) VCF-style: chr19-50154459-G-C.
Other names: short protein forms E271D.
Identifiers: ClinVar variation 2650278 (VCV002650278.24), dbSNP rs142052897, ClinGen allele CA9579474.

ClinVar aggregate classification (germline): Likely benign (1 of 4 stars; one submission).

Allele frequency attached by ClinVar (database versions not stated): 1000 Genomes Project 0.00220; ESP Exome Variant Server 0.00523.
gnomAD v4.1: 10,441 of 1,612,908 alleles (0.65%); highest among the groups gnomAD compares: Non-Finnish European, 0.81%; 42 homozygotes.

Submission:

CeGaT Center for Human Genetics Tuebingen
Classification: Likely benign. Last evaluated: 2023-02-01. Review status: criteria provided, single submitter. Criteria: CeGaT Center For Human Genetics Tuebingen Variant Classification Criteria Version 2. Collection method: clinical testing. Allele origin: germline. Affected: yes. Observed: 1 variant allele.
Comment: SCAF1: BS2